The following is an entry in ClinVar:

ClinVar aggregate classification (germline): Uncertain significance (1 of 4 stars; one submission).

Allele frequency attached by ClinVar (database versions not stated): gnomAD exomes below 0.00001 and 0.00001; gnomAD 0.00001; TOPMed 0.00001; ExAC 0.00005.
gnomAD v4.1: 2 of 1,555,274 alleles (0.00013%); highest among the groups gnomAD compares: Admixed American, 0.0039%; no homozygotes.

Submission:

GeneDx
Classification: Uncertain significance. Last evaluated: 2025-03-14. Review status: criteria provided, single submitter. Criteria: GeneDx Variant Classification Process June 2021. Collection method: clinical testing. Allele origin: germline. Affected: yes.
Comment: In silico analysis supports that this missense variant does not alter protein structure/function; Has not been previously published as pathogenic or benign to our knowledge

NM_001371623.1(TCOF1):c.1066G>A (p.Ala356Thr)

Gene: TCOF1 (treacle ribosome biogenesis factor 1; plus strand). Cytogenetic location: 5q32.
Variant type: single nucleotide variant.
Coding change: c.1066G>A on transcript NM_001371623.1 (MANE Select); coding-DNA position 1066, G replaced by A.
Protein change: p.Ala356Thr; replaces alanine 356 with threonine.
Molecular consequence: missense variant.
Genome position (GRCh38, 1-based): chr5:150,374,369, G>A. VCF-style: chr5-150374369-G-A. GRCh37 (hg19) VCF-style: chr5-149753932-G-A.
Other names: c.835G>A, p.Ala279Thr (NM_000356.4, NM_001135245.2); c.1066G>A, p.Ala356Thr (NM_001008657.3, NM_001135243.2, NM_001135244.2 and 1 more transcripts); short protein forms A279T, A356T.
Identifiers: ClinVar variation 1328625 (VCV001328625.3), dbSNP rs757871989, ClinGen allele CA3510726.
Genomic context (GRCh38, chr5:150,374,369, plus strand): 5'-GAGGAGGACTCAGAGAGCAGCAGCGAGGAGTCATCTGACAGTGAGGAGGAGACGCCAGCT[G>A]CCAAGGCCCTGCTTCAGGTGAGGCCTGAGGAGGGAGACTCCATGCAGCCAGGCCCGTCCC-3'
Protein context (NP_001358552.1, residues 346-366): SSDSEEETPA[Ala356Thr]KALLQAKASG